The following is an entry in ClinVar:

NM_032242.4(PLXNA1):c.3419A>C (p.Asn1140Thr)

Gene: PLXNA1 (plexin A1; plus strand). Cytogenetic location: 3q21.3.
Variant type: single nucleotide variant.
Coding change: c.3419A>C on transcript NM_032242.4 (MANE Select); coding-DNA position 3419, A replaced by C.
Protein change: p.Asn1140Thr; replaces asparagine 1140 with threonine.
Molecular consequence: missense variant.
Genome position (GRCh38, 1-based): chr3:127,017,567, A>C. VCF-style: chr3-127017567-A-C. GRCh37 (hg19) VCF-style: chr3-126736410-A-C.
Other names: short protein forms N1140T.
Identifiers: ClinVar variation 4982619 (VCV004982619.1).

ClinVar aggregate classification (germline): Uncertain significance (1 of 4 stars; one submission).

Conditions:
PLXNA1-related disorder. Also called: PLXNA1-related condition.

Submission:

PreventionGenetics, part of Exact Sciences
Classification: Uncertain significance for PLXNA1-related condition. Last evaluated: 2026-02-17. Review status: criteria provided, single submitter. Criteria: ACMG Guidelines, 2015. Collection method: clinical testing. Allele origin: germline.
Comment: The PLXNA1 c.3419A>C variant is predicted to result in the amino acid substitution p.Asn1140Thr. To our knowledge, this variant has not been reported in the literature. This variant is reported in 0.0062% of alleles in individuals of African descent in gnomAD. At this time, the clinical significance of this variant is uncertain due to the absence of conclusive functional and genetic evidence.